The following is an entry in ClinVar:

NM_001195263.2(PDZD7):c.2798G>C (p.Arg933Pro)

Gene: PDZD7 (PDZ domain containing 7; minus strand). Cytogenetic location: 10q24.31.
Variant type: single nucleotide variant.
Coding change: c.2798G>C on transcript NM_001195263.2 (MANE Select); coding-DNA position 2798, G replaced by C.
Protein change: p.Arg933Pro; replaces arginine 933 with proline.
Molecular consequence: missense variant.
Genome position (GRCh38, 1-based): chr10:101,008,771, C>G on the plus strand (G>C on the coding strand, the complement: PDZD7 is on the minus strand). VCF-style: chr10-101008771-C-G. GRCh37 (hg19) VCF-style: chr10-102768528-C-G.
Other names: short protein forms R933P.
Identifiers: ClinVar variation 1502512 (VCV001502512.6), dbSNP rs574483811, ClinGen allele CA378223325.

ClinVar aggregate classification (germline): Uncertain significance (1 of 4 stars; one submission).

gnomAD v4.1: 1 of 1,535,356 alleles (0.000065%); highest among the groups gnomAD compares: Non-Finnish European, 0.000087%; no homozygotes.

Submission:

Labcorp Genetics (formerly Invitae), Labcorp
Classification: Uncertain significance. Last evaluated: 2023-05-08. Review status: criteria provided, single submitter. Criteria: Invitae Variant Classification Sherloc (09022015). Collection method: clinical testing. Allele origin: germline.
Comment: This sequence change replaces arginine, which is basic and polar, with proline, which is neutral and non-polar, at codon 933 of the PDZD7 protein (p.Arg933Pro). This variant is not present in population databases (gnomAD no frequency). In summary, the available evidence is currently insufficient to determine the role of this variant in disease. Therefore, it has been classified as a Variant of Uncertain Significance. Experimental studies and prediction algorithms are not available or were not evaluated, and the functional significance of this variant is currently unknown. ClinVar contains an entry for this variant (Variation ID: 1502512). This variant has not been reported in the literature in individuals affected with PDZD7-related conditions.